The following is an entry in ClinVar:

NM_003238.6(TGFB2):c.754+1G>A

Gene: TGFB2 (transforming growth factor beta 2; plus strand). Cytogenetic location: 1q41.
Variant type: single nucleotide variant.
Coding change: c.754+1G>A on transcript NM_003238.6 (MANE Select); the canonical splice donor site of the intron after coding-DNA position 754, G replaced by A.
Molecular consequence: splice donor variant.
Genome position (GRCh38, 1-based): chr1:218,434,449, G>A. VCF-style: chr1-218434449-G-A. GRCh37 (hg19) VCF-style: chr1-218607791-G-A.
Other names: c.838+1G>A (NM_001135599.4).
Identifiers: ClinVar variation 1709165 (VCV001709165.2), dbSNP rs2464865768, ClinGen allele CA344726976.
Genomic context (GRCh38, chr1:218,434,449, plus strand): 5'-TACCATCTAATAATTACATCATCCCAAATAAAAGTGAAGAACTAGAAGCAAGATTTGCAG[G>A]TAACCAAAACTTGGTCATATGAGGTGGGGGAGGGAAGGGTCTATATTGATAATCTCATGG-3'

ClinVar aggregate classification (germline): Likely pathogenic (1 of 4 stars; one submission).

Conditions:
Loeys-Dietz syndrome 4 (LDS4). Also called: ANEURYSM, AORTIC AND CEREBRAL, WITH ARTERIAL TORTUOSITY AND SKELETAL MANIFESTATIONS; TGFB2-Related Loeys-Dietz Syndrome. Identifiers: MedGen C3553762, MONDO:0013897, OMIM 614816.

Submission:

MGZ Medical Genetics Center
Classification: Likely pathogenic for Loeys-Dietz syndrome 4. Last evaluated: 2022-03-04. Review status: criteria provided, single submitter. Criteria: ACMG Guidelines, 2015. Collection method: clinical testing. Allele origin: germline. Affected: yes. Observed: 1 variant allele.
Comment: ACMG criteria applied: PVS1, PM2_SUP